The following is an entry in ClinVar:

NM_002439.5(MSH3):c.1076T>C (p.Ile359Thr)

Gene: MSH3 (mutS homolog 3; plus strand). Cytogenetic location: 5q14.1.
Variant type: single nucleotide variant.
Coding change: c.1076T>C on transcript NM_002439.5 (MANE Select); coding-DNA position 1076, T replaced by C.
Protein change: p.Ile359Thr; replaces isoleucine 359 with threonine.
Molecular consequence: missense variant.
Genome position (GRCh38, 1-based): chr5:80,675,031, T>C. VCF-style: chr5-80675031-T-C. GRCh37 (hg19) VCF-style: chr5-79970850-T-C.
Other names: c.1076T>C (NM_002439.3); short protein forms I359T.
Identifiers: ClinVar variation 3239769 (VCV003239769.3), dbSNP rs2546724269.

ClinVar aggregate classification (germline): Uncertain significance. Review status: criteria provided, multiple submitters, no conflicts (2 of 4 stars). 3 submissions from 3 submitters: Uncertain significance (3). Last evaluated 2026-01-15.

Conditions:
Endometrial carcinoma. Also called: Endometrial carcinoma, somatic. Identifiers: MedGen C0476089, MONDO:0002447, OMIM 608089, HP:0012114.
Hereditary cancer-predisposing syndrome. Also called: Neoplastic Syndromes, Hereditary; Tumor predisposition; Hereditary neoplastic syndrome; Hereditary Cancer Syndrome. Identifiers: Orphanet 140162, MedGen C0027672, MeSH D009386, MONDO:0015356.

Submissions (3):

Labcorp Genetics (formerly Invitae), Labcorp
Classification: Uncertain significance. Last evaluated: 2026-01-15. Review status: criteria provided, single submitter. Criteria: Invitae Variant Classification Sherloc (09022015). Collection method: clinical testing. Allele origin: germline.
Comment: This sequence change replaces isoleucine, which is neutral and non-polar, with threonine, which is neutral and polar, at codon 359 of the MSH3 protein (p.Ile359Thr). This variant is not present in population databases (gnomAD no frequency). This variant has not been reported in the literature in individuals affected with MSH3-related conditions. ClinVar contains an entry for this variant (Variation ID: 3239769). An algorithm developed to predict the effect of missense changes on protein structure and function outputs the following: PolyPhen-2: "Benign". The threonine amino acid residue is found in multiple mammalian species, which suggests that this missense change does not adversely affect protein function. In summary, the available evidence is currently insufficient to determine the role of this variant in disease. Therefore, it has been classified as a Variant of Uncertain Significance.

Ambry Genetics
Classification: Uncertain significance for Hereditary cancer-predisposing syndrome. Last evaluated: 2024-08-12. Review status: criteria provided, single submitter. Criteria: Ambry Variant Classification Scheme 2023. Collection method: clinical testing. Allele origin: germline.
Comment: The p.I359T variant (also known as c.1076T>C), located in coding exon 7 of the MSH3 gene, results from a T to C substitution at nucleotide position 1076. The isoleucine at codon 359 is replaced by threonine, an amino acid with similar properties. This amino acid position is conserved. In addition, this alteration is predicted to be tolerated by in silico analysis. Based on the available evidence, the clinical significance of this variant remains unclear.

Baylor Genetics
Classification: Uncertain significance for Endometrial carcinoma. Last evaluated: 2024-02-20. Review status: criteria provided, single submitter. Criteria: ACMG Guidelines, 2015. Collection method: clinical testing. Allele origin: unknown.